The following is an entry in ClinVar:

NM_001387567.1(BTBD6):c.411C>G (p.Asp137Glu)

Genes: BRF1 (BRF1 general transcription factor IIIB subunit; minus strand), BTBD6 (BTB domain containing 6; plus strand). Cytogenetic location: 14q32.33.
Variant type: single nucleotide variant.
Coding change: c.411C>G on transcript NM_001387567.1 (MANE Select); coding-DNA position 411, C replaced by G.
Protein change: p.Asp137Glu; replaces aspartic acid 137 with glutamic acid.
Molecular consequence: missense variant. On other transcripts: 5 prime UTR variant (1), intron variant (7).
Genome position (GRCh38, 1-based): chr14:105,249,193, C>G. VCF-style: chr14-105249193-C-G. GRCh37 (hg19) VCF-style: chr14-105715530-C-G.
Other names: c.-65G>C (NM_001242789.2); c.252C>G, p.Asp84Glu (NM_033271.3); c.199+3314G>C (NM_001440451.1, NM_001242787.2, NM_001242786.2); c.463+3314G>C (NM_001242788.2); c.544+3314G>C (NM_001440450.1, NM_001440449.1, NM_001519.4); short protein forms D137E, D84E.
Identifiers: ClinVar variation 4867962 (VCV004867962.1).

ClinVar aggregate classification (germline): Uncertain significance (1 of 4 stars; one submission).

gnomAD v4.1: 12 of 1,588,756 alleles (0.00076%); highest among the groups gnomAD compares: Non-Finnish European, 0.001%; no homozygotes.

Submission:

Ambry Genetics
Classification: Uncertain significance. Last evaluated: 2026-05-05. Review status: criteria provided, single submitter. Criteria: Ambry Variant Classification Scheme 2023. Collection method: clinical testing. Allele origin: germline.
Comment: The c.252C>G (p.D84E) alteration is located in exon 3 (coding exon 2) of the BTBD6 gene. This alteration results from a C to G substitution at nucleotide position 252, causing the aspartic acid (D) at amino acid position 84 to be replaced by a glutamic acid (E). Based on data from gnomAD, the G allele has an overall frequency of 0.003% (1/31244) total alleles studied. The highest observed frequency was 0.007% (1/15376) of European (non-Finnish) alleles. Based on insufficient or conflicting evidence, the clinical significance of this alteration remains unclear.